The following is an entry in ClinVar:

NM_004560.4(ROR2):c.941A>G (p.His314Arg)

Gene: ROR2 (receptor tyrosine kinase like orphan receptor 2; minus strand). Cytogenetic location: 9q22.31.
Variant type: single nucleotide variant.
Coding change: c.941A>G on transcript NM_004560.4 (MANE Select); coding-DNA position 941, A replaced by G.
Protein change: p.His314Arg; replaces histidine 314 with arginine.
Molecular consequence: missense variant.
Genome position (GRCh38, 1-based): chr9:91,731,152, T>C on the plus strand (A>G on the coding strand, the complement: ROR2 is on the minus strand). VCF-style: chr9-91731152-T-C. GRCh37 (hg19) VCF-style: chr9-94493434-T-C.
Other names: c.941A>G, p.His314Arg (NM_001318204.2); short protein forms H314R.
Identifiers: ClinVar variation 2962398 (VCV002962398.3), dbSNP rs1424605019, ClinGen allele CA373800397.

ClinVar aggregate classification (germline): Uncertain significance (1 of 4 stars; one submission).

Allele frequency attached by ClinVar (database versions not stated): gnomAD exomes below 0.00001; gnomAD 0.00001.
gnomAD v4.1: 6 of 1,613,932 alleles (0.00037%); highest among the groups gnomAD compares: Non-Finnish European, 0.00051%; no homozygotes.

Submission:

Labcorp Genetics (formerly Invitae), Labcorp
Classification: Uncertain significance. Last evaluated: 2022-12-30. Review status: criteria provided, single submitter. Criteria: Invitae Variant Classification Sherloc (09022015). Collection method: clinical testing. Allele origin: germline.
Comment: Advanced modeling of protein sequence and biophysical properties (such as structural, functional, and spatial information, amino acid conservation, physicochemical variation, residue mobility, and thermodynamic stability) performed at Invitae indicates that this missense variant is not expected to disrupt ROR2 protein function. In summary, the available evidence is currently insufficient to determine the role of this variant in disease. Therefore, it has been classified as a Variant of Uncertain Significance. This variant has not been reported in the literature in individuals affected with ROR2-related conditions. This variant is present in population databases (no rsID available, gnomAD 0.007%). This sequence change replaces histidine, which is basic and polar, with arginine, which is basic and polar, at codon 314 of the ROR2 protein (p.His314Arg).